The following is an entry in ClinVar:

ClinVar aggregate classification (germline): Uncertain significance (1 of 4 stars; one submission).

Conditions:
MC4R-related disorder. Also called: MC4R-related condition.

Submission:

PreventionGenetics, part of Exact Sciences
Classification: Uncertain significance for MC4R-related condition. Last evaluated: 2026-08-04. Review status: criteria provided, single submitter. Criteria: ACMG Guidelines, 2015. Collection method: clinical testing. Allele origin: germline.
Comment: The MC4R c.731C>G variant is predicted to result in the amino acid substitution p.Ala244Gly. To our knowledge, this variant has not been reported in the literature. However a different missense change at the same amino acid position (p.Ala244Glu) has previously been reported to be associated with obesity (Lubrano-Berthelier et al. 2003. PubMed ID: 12499395; Hinney et al. 2003. PubMed ID: 12970296). The c.731C>G (p.Ala244Gly) variant is reported in 0.012% of alleles in individuals of African descent in gnomAD. At this time, the clinical significance of this variant is uncertain due to the absence of conclusive functional and genetic evidence.

NM_005912.3(MC4R):c.731C>G (p.Ala244Gly)

Gene: MC4R (melanocortin 4 receptor; minus strand). Cytogenetic location: 18q21.32.
Variant type: single nucleotide variant.
Coding change: c.731C>G on transcript NM_005912.3 (MANE Select); coding-DNA position 731, C replaced by G.
Protein change: p.Ala244Gly; replaces alanine 244 with glycine.
Molecular consequence: missense variant.
Genome position (GRCh38, 1-based): chr18:60,371,619, G>C on the plus strand (C>G on the coding strand, the complement: MC4R is on the minus strand). VCF-style: chr18-60371619-G-C. GRCh37 (hg19) VCF-style: chr18-58038852-G-C.
Other names: short protein forms A244G.
Identifiers: ClinVar variation 4992763 (VCV004992763.1).